The following is an entry in ClinVar:

ClinVar aggregate classification (germline): Benign/Likely benign. Review status: criteria provided, multiple submitters, no conflicts (2 of 4 stars). 3 submissions from 3 submitters: Benign (1); Likely benign (2). Last evaluated 2026-04-30.

Conditions:
Colorectal cancer, hereditary nonpolyposis, type 7. Identifiers: Orphanet 144, MedGen C1858380, MONDO:0013725, OMIM 614385.

Allele frequency attached by ClinVar (database versions not stated): gnomAD exomes 0.00005 and 0.00001; ExAC 0.00002.

Submissions (3):

Myriad Genetics, Inc.
Classification: Benign for Colorectal cancer, hereditary nonpolyposis, type 7. Last evaluated: 2026-04-30. Review status: criteria provided, single submitter. Criteria: Myriad Autosomal Dominant, Autosomal Recessive and X-Linked Classification Criteria (2023). Collection method: clinical testing. Allele origin: unknown.
Comment: This variant is considered benign. This variant is a silent/synonymous amino acid change and it is not expected to impact splicing.

Labcorp Genetics (formerly Invitae), Labcorp
Classification: Likely benign for Colorectal cancer, hereditary nonpolyposis, type 7. Last evaluated: 2023-12-22. Review status: criteria provided, single submitter. Criteria: Invitae Variant Classification Sherloc (09022015). Collection method: clinical testing. Allele origin: germline.

Ambry Genetics
Classification: Likely benign. Last evaluated: 2021-01-28. Review status: criteria provided, single submitter. Criteria: Ambry Variant Classification Scheme 2023. Collection method: clinical testing. Allele origin: germline.

NM_001040108.2(MLH3):c.1740G>A (p.Glu580=)

Gene: MLH3 (mutL homolog 3; minus strand). Cytogenetic location: 14q24.3.
Variant type: single nucleotide variant.
Coding change: c.1740G>A on transcript NM_001040108.2 (MANE Select); coding-DNA position 1740, G replaced by A.
Protein change: p.Glu580=; no amino-acid change (glutamic acid 580 retained).
Molecular consequence: synonymous variant.
Genome position (GRCh38, 1-based): chr14:75,047,916, C>T on the plus strand (G>A on the coding strand, the complement: MLH3 is on the minus strand). VCF-style: chr14-75047916-C-T. GRCh37 (hg19) VCF-style: chr14-75514619-C-T.
Other names: c.1740G>A, p.Glu580= (NM_014381.3).
Identifiers: ClinVar variation 774009 (VCV000774009.14), dbSNP rs761803406, ClinGen allele CA7275827.